The following is an entry in ClinVar:

ClinVar aggregate classification (germline): Uncertain significance (1 of 4 stars; one submission).

Conditions:
Osteopetrosis with renal tubular acidosis (OPTB3). Also called: Autosomal recessive osteopetrosis 3. Identifiers: Orphanet 2785, MedGen C0345407, MONDO:0009818, OMIM 259730.

Submission:

Juno Genomics, Hangzhou Juno Genomics, Inc
Classification: Uncertain significance for Osteopetrosis with renal tubular acidosis. Review status: criteria provided, single submitter. Criteria: ACMG Guidelines, 2015. Collection method: clinical testing. Allele origin: germline.
Comment: Null variant in a gene where loss of function (LOF) is a known mechanism of disease.;Absent from controls (or at extremely low frequency if recessive) in Genome Aggregation Database.

NM_000067.3(CA2):c.669del (p.Lys224fs)

Gene: CA2 (carbonic anhydrase 2; plus strand). Cytogenetic location: 8q21.2.
Variant type: Deletion.
Coding change: c.669del on transcript NM_000067.3 (MANE Select); coding-DNA position 669, one base deleted (G; older notation c.669delG).
Protein change: p.Lys224fs; shifts the reading frame from lysine 224.
Molecular consequence: frameshift variant.
Genome position (GRCh38, 1-based): chr8:85,480,675, G deleted. VCF-style (leftmost placement, unchanged base first): chr8-85480674-TG-T. GRCh37 (hg19) VCF-style: chr8-86392903-TG-T.
Other names: c.366del, p.Lys123fs (NM_001293675.2); short protein forms K224fs, K123fs.
Identifiers: ClinVar variation 5007347 (VCV005007347.2).